The following is an entry in ClinVar:

NM_006361.6(HOXB13):c.433G>A (p.Asp145Asn)

Gene: HOXB13 (homeobox B13; minus strand). Cytogenetic location: 17q21.32.
Variant type: single nucleotide variant.
Coding change: c.433G>A on transcript NM_006361.6 (MANE Select); coding-DNA position 433, G replaced by A.
Protein change: p.Asp145Asn; replaces aspartic acid 145 with asparagine.
Molecular consequence: missense variant.
Genome position (GRCh38, 1-based): chr17:48,728,161, C>T on the plus strand (G>A on the coding strand, the complement: HOXB13 is on the minus strand). VCF-style: chr17-48728161-C-T. GRCh37 (hg19) VCF-style: chr17-46805523-C-T.
Other names: short protein forms D145N.
Identifiers: ClinVar variation 1739851 (VCV001739851.6), dbSNP rs2143072098, ClinGen allele CA400107464.

ClinVar aggregate classification (germline): Uncertain significance. Review status: criteria provided, multiple submitters, no conflicts (2 of 4 stars). 3 submissions from 3 submitters: Uncertain significance (3). Last evaluated 2025-11-10.

Conditions:
HOXB13-related disorder. Also called: HOXB13-related disorders; HOXB13-related condition.
Hereditary cancer-predisposing syndrome. Also called: Neoplastic Syndromes, Hereditary; Hereditary neoplastic syndrome; Hereditary Cancer Syndrome; Tumor predisposition. Identifiers: Orphanet 140162, MedGen C0027672, MeSH D009386, MONDO:0015356.

Submissions (3):

PreventionGenetics, part of Exact Sciences
Classification: Uncertain significance for HOXB13-related condition. Last evaluated: 2025-11-10. Review status: criteria provided, single submitter. Criteria: ACMG Guidelines, 2015. Collection method: clinical testing. Allele origin: germline.
Comment: The HOXB13 c.433G>A variant is predicted to result in the amino acid substitution p.Asp145Asn. To our knowledge, this variant has not been reported in the literature or in a large population database (gnomAD), indicating this variant is rare. It is classified as uncertain in ClinVar (Variation ID: 1739851). At this time, the clinical significance of this variant is uncertain due to the absence of conclusive functional and genetic evidence.

Labcorp Genetics (formerly Invitae), Labcorp
Classification: Uncertain significance. Last evaluated: 2025-09-30. Review status: criteria provided, single submitter. Criteria: Invitae Variant Classification Sherloc (09022015). Collection method: clinical testing. Allele origin: germline.
Comment: This sequence change replaces aspartic acid, which is acidic and polar, with asparagine, which is neutral and polar, at codon 145 of the HOXB13 protein (p.Asp145Asn). This variant is not present in population databases (gnomAD no frequency). This variant has not been reported in the literature in individuals affected with HOXB13-related conditions. ClinVar contains an entry for this variant (Variation ID: 1739851). Invitae Evidence Modeling of protein sequence and biophysical properties (such as structural, functional, and spatial information, amino acid conservation, physicochemical variation, residue mobility, and thermodynamic stability) indicates that this missense variant is not expected to disrupt HOXB13 protein function with a negative predictive value of 80%. In summary, the available evidence is currently insufficient to determine the role of this variant in disease. Therefore, it has been classified as a Variant of Uncertain Significance.

Ambry Genetics
Classification: Uncertain significance for Hereditary cancer-predisposing syndrome. Last evaluated: 2024-03-13. Review status: criteria provided, single submitter. Criteria: Ambry Variant Classification Scheme 2023. Collection method: clinical testing. Allele origin: germline.
Comment: The p.D145N variant (also known as c.433G>A), located in coding exon 1 of the HOXB13 gene, results from a G to A substitution at nucleotide position 433. The aspartic acid at codon 145 is replaced by asparagine, an amino acid with highly similar properties. This amino acid position is conserved. In addition, the in silico prediction for this alteration is inconclusive. Since supporting evidence is limited at this time, the clinical significance of this alteration remains unclear.